The following is an entry in ClinVar:

ClinVar aggregate classification (germline): Uncertain significance. Review status: criteria provided, multiple submitters, no conflicts (2 of 4 stars). 3 submissions from 3 submitters: Uncertain significance (3). Last evaluated 2026-03-03.

Conditions:
ANLN-related disorder. Also called: ANLN-related condition.

Allele frequency attached by ClinVar (database versions not stated): gnomAD exomes 0.00002 and 0.00008; gnomAD 0.00015 and 0.00016; TOPMed 0.00040.
gnomAD v4.1: 44 of 1,607,932 alleles (0.0027%); highest among the groups gnomAD compares: Admixed American, 0.071%; 1 homozygote.

Submissions (3):

PreventionGenetics, part of Exact Sciences
Classification: Uncertain significance for ANLN-related condition. Last evaluated: 2026-03-03. Review status: criteria provided, single submitter. Criteria: ACMG Guidelines, 2015. Collection method: clinical testing. Allele origin: germline.
Comment: The ANLN c.2324A>G variant is predicted to result in the amino acid substitution p.Asp775Gly. To our knowledge, this variant has not been reported in the literature. This variant is reported in 0.054% of alleles in individuals of Latino descent in gnomAD. Although we suspect that this variant may be benign, at this time, the clinical significance of this variant is uncertain due to the absence of conclusive functional and genetic evidence.

Ambry Genetics
Classification: Uncertain significance. Last evaluated: 2023-08-05. Review status: criteria provided, single submitter. Criteria: Ambry Variant Classification Scheme 2023. Collection method: clinical testing. Allele origin: germline.
Comment: Does not currently meet published gene-disease clinical validity criteria Based on insufficient or conflicting evidence, the clinical significance of this alteration remains unclear.

Labcorp Genetics (formerly Invitae), Labcorp
Classification: Uncertain significance. Last evaluated: 2021-03-10. Review status: criteria provided, single submitter. Criteria: Invitae Variant Classification Sherloc (09022015). Collection method: clinical testing. Allele origin: germline.
Comment: This sequence change replaces aspartic acid with glycine at codon 775 of the ANLN protein (p.Asp775Gly). The aspartic acid residue is weakly conserved and there is a moderate physicochemical difference between aspartic acid and glycine. This variant is not present in population databases (ExAC no frequency). This variant has not been reported in the literature in individuals with ANLN-related conditions. Algorithms developed to predict the effect of missense changes on protein structure and function (SIFT, PolyPhen-2, Align-GVGD) all suggest that this variant is likely to be tolerated, but these predictions have not been confirmed by published functional studies and their clinical significance is uncertain. Algorithms developed to predict the effect of sequence changes on RNA splicing suggest that this variant may create or strengthen a splice site, but this prediction has not been confirmed by published transcriptional studies. In summary, the available evidence is currently insufficient to determine the role of this variant in disease. Therefore, it has been classified as a Variant of Uncertain Significance.

Literature cited by the submitters: PubMed 28106320 (cited by Ambry Genetics).

NM_018685.5(ANLN):c.2324A>G (p.Asp775Gly)

Gene: ANLN (anillin, actin binding protein; plus strand). Cytogenetic location: 7p14.2.
Variant type: single nucleotide variant.
Coding change: c.2324A>G on transcript NM_018685.5 (MANE Select); coding-DNA position 2324, A replaced by G.
Protein change: p.Asp775Gly; replaces aspartic acid 775 with glycine.
Molecular consequence: missense variant.
Genome position (GRCh38, 1-based): chr7:36,422,657, A>G. VCF-style: chr7-36422657-A-G. GRCh37 (hg19) VCF-style: chr7-36462266-A-G.
Other names: c.2324A>G (NM_018685.2, NM_018685.4); c.2213A>G, p.Asp738Gly (NM_001284301.3); c.2210A>G, p.Asp737Gly (NM_001284302.3); short protein forms D775G, D738G, D737G.
Identifiers: ClinVar variation 1491968 (VCV001491968.10), dbSNP rs1392269787, ClinGen allele CA367213632.
Genomic context (GRCh38, chr7:36,422,657, plus strand): 5'-ATTTTAATATTTGGAATATTGCGTTGTTTTACATAGCTGGGAAGAGAACACTTTTGATTG[A>G]TGAATTGAATAAATTGAAGAACGAAGGACCTCAGAGGAAGAATAAGGCTAGTCCCCAAAG-3'
Protein context (NP_061155.2, residues 765-785): IATGKRTLLI[Asp775Gly]ELNKLKNEGP